The following is an entry in ClinVar:

NM_001009999.3(KDM1A):c.1595T>G (p.Leu532Arg)

Gene: KDM1A (lysine demethylase 1A; plus strand). Cytogenetic location: 1p36.12.
Variant type: single nucleotide variant.
Coding change: c.1595T>G on transcript NM_001009999.3 (MANE Select); coding-DNA position 1595, T replaced by G.
Protein change: p.Leu532Arg; replaces leucine 532 with arginine.
Molecular consequence: missense variant.
Genome position (GRCh38, 1-based): chr1:23,072,170, T>G. VCF-style: chr1-23072170-T-G. GRCh37 (hg19) VCF-style: chr1-23398663-T-G.
Other names: c.1523T>G, p.Leu508Arg (NM_001363654.2, NM_001410763.1, NM_015013.4); c.1583T>G, p.Leu528Arg (NM_001410762.1); short protein forms L508R, L528R, L532R.
Identifiers: ClinVar variation 5020961 (VCV005020961.1).

ClinVar aggregate classification (germline): Uncertain significance (1 of 4 stars; one submission).

Submission:

Dasa
Classification: Uncertain significance. Last evaluated: 2025-04-30. Review status: criteria provided, single submitter. Criteria: DASA Assertion Criteria. Collection method: clinical testing. Allele origin: germline.
Comment: NM_001009999.3(KDM1A):c.1595T>G (p.Leu532Arg) is a missense variant that results in the substitution of leucine with arginine. This variant is absent from population databases. The currently available literature and clinical evidence are not sufficient to establish a definitive association between this variant and the reported condition. Therefore, this variant is classified as a variant of uncertain significance.